The following is an entry in ClinVar:

NM_016604.4(KDM3B):c.136G>T (p.Ala46Ser)

Genes: KDM3B (lysine demethylase 3B; plus strand), LOC129994737 (ATAC-STARR-seq lymphoblastoid silent region 16394; plus strand). Cytogenetic location: 5q31.2.
Variant type: single nucleotide variant.
Coding change: c.136G>T on transcript NM_016604.4 (MANE Select); coding-DNA position 136, G replaced by T.
Protein change: p.Ala46Ser; replaces alanine 46 with serine.
Molecular consequence: missense variant.
Genome position (GRCh38, 1-based): chr5:138,352,931, G>T. VCF-style: chr5-138352931-G-T. GRCh37 (hg19) VCF-style: chr5-137688620-G-T.
Other names: short protein forms A46S.
Identifiers: ClinVar variation 2845962 (VCV002845962.3), dbSNP rs1390295003, ClinGen allele CA361090601.

ClinVar aggregate classification (germline): Uncertain significance (1 of 4 stars; one submission).

Allele frequency attached by ClinVar (database versions not stated): gnomAD exomes below 0.00001.
gnomAD v4.1: 1 of 1,315,934 alleles (0.000076%); highest among the groups gnomAD compares: Admixed American, 0.0037%; no homozygotes.

Submission:

Labcorp Genetics (formerly Invitae), Labcorp
Classification: Uncertain significance. Last evaluated: 2023-06-12. Review status: criteria provided, single submitter. Criteria: Invitae Variant Classification Sherloc (09022015). Collection method: clinical testing. Allele origin: germline.
Comment: This variant is not present in population databases (gnomAD no frequency). This sequence change replaces alanine, which is neutral and non-polar, with serine, which is neutral and polar, at codon 46 of the KDM3B protein (p.Ala46Ser). In summary, the available evidence is currently insufficient to determine the role of this variant in disease. Therefore, it has been classified as a Variant of Uncertain Significance. An algorithm developed to predict the effect of missense changes on protein structure and function (PolyPhen-2) suggests that this variant is likely to be tolerated. This variant has not been reported in the literature in individuals affected with KDM3B-related conditions.